The following is an entry in ClinVar:

NM_000038.6(APC):c.3572A>T (p.Gln1191Leu)

Gene: APC (APC regulator of Wnt signaling pathway; plus strand). Cytogenetic location: 5q22.2.
Variant type: single nucleotide variant.
Coding change: c.3572A>T on transcript NM_000038.6 (MANE Select); coding-DNA position 3572, A replaced by T.
Protein change: p.Gln1191Leu; replaces glutamine 1191 with leucine.
Molecular consequence: missense variant.
Genome position (GRCh38, 1-based): chr5:112,839,166, A>T. VCF-style: chr5-112839166-A-T. GRCh37 (hg19) VCF-style: chr5-112174863-A-T.
Other names: c.3572A>T, p.Gln1191Leu (NM_001127510.3, NM_001354895.2, NM_001407450.1); c.3518A>T, p.Gln1173Leu (NM_001127511.3); c.3626A>T, p.Gln1209Leu (NM_001354896.2, NM_001407447.1, NM_001407448.1 and 1 more transcripts); c.3602A>T, p.Gln1201Leu (NM_001354897.2); c.3497A>T, p.Gln1166Leu (NM_001354898.2); c.3488A>T, p.Gln1163Leu (NM_001354899.2); c.3449A>T, p.Gln1150Leu (NM_001354900.2); c.3395A>T, p.Gln1132Leu (NM_001354901.2, NM_001407453.1); and 11 more; short protein forms Q1132L, Q1150L, Q1209L, Q908L, Q1031L, Q1163L, Q1173L, Q1184L.
Identifiers: ClinVar variation 1732809 (VCV001732809.3), dbSNP rs762443695, ClinGen allele CA035766.
Genomic context (GRCh38, chr5:112,839,166, plus strand): 5'-GTCATGTGGATCAGCCTATTGATTATAGTTTAAAATATGCCACAGATATTCCTTCATCAC[A>T]GAAACAGTCATTTTCATTCTCAAAGAGTTCATCTGGACAAAGCAGTAAAACCGAACATAT-3'
Protein context (NP_000029.2, residues 1181-1201): LKYATDIPSS[Gln1191Leu]KQSFSFSKSS

ClinVar aggregate classification (germline): Uncertain significance. Review status: criteria provided, multiple submitters, no conflicts (2 of 4 stars). 2 submissions from 2 submitters: Uncertain significance (2). Last evaluated 2022-09-22.

Conditions:
Hereditary cancer-predisposing syndrome. Also called: Neoplastic Syndromes, Hereditary; Tumor predisposition; Hereditary Cancer Syndrome; Hereditary neoplastic syndrome. Identifiers: Orphanet 140162, MedGen C0027672, MeSH D009386, MONDO:0015356.

Allele frequency attached by ClinVar (database versions not stated): ExAC 0.00001.
gnomAD v4.1: 2 of 1,614,158 alleles (0.00012%); highest among the groups gnomAD compares: South Asian, 0.0022%; no homozygotes.

Submissions (2):

GeneDx
Classification: Uncertain significance. Last evaluated: 2022-09-22. Review status: criteria provided, single submitter. Criteria: GeneDx Variant Classification Process June 2021. Collection method: clinical testing. Allele origin: germline. Affected: yes.
Comment: Not observed at significant frequency in large population cohorts (gnomAD); In silico analysis supports that this missense variant does not alter protein structure/function; Has not been previously published as pathogenic or benign to our knowledge

Ambry Genetics
Classification: Uncertain significance for Hereditary cancer-predisposing syndrome. Last evaluated: 2020-12-08. Review status: criteria provided, single submitter. Criteria: Ambry Variant Classification Scheme 2023. Collection method: clinical testing. Allele origin: germline.
Comment: The p.Q1191L variant (also known as c.3572A>T), located in coding exon 15 of the APC gene, results from an A to T substitution at nucleotide position 3572. The glutamine at codon 1191 is replaced by leucine, an amino acid with dissimilar properties. This amino acid position is well conserved in available vertebrate species. In addition, in silico predictors for this gene do not accurately predict pathogenicity. Since supporting evidence is limited at this time, the clinical significance of this alteration remains unclear.